The following is an entry in ClinVar:

ClinVar aggregate classification (germline): Uncertain significance (1 of 4 stars; one submission).

Conditions:
Cardiovascular phenotype. Identifiers: MedGen CN230736.

Allele frequency attached by ClinVar (database versions not stated): gnomAD 0.00001.
gnomAD v4.1: 1 of 1,613,462 alleles (0.000062%); highest among the groups gnomAD compares: Non-Finnish European, 0.000085%; no homozygotes.

Submission:

Ambry Genetics
Classification: Uncertain significance for Cardiovascular phenotype. Last evaluated: 2021-09-03. Review status: criteria provided, single submitter. Criteria: Ambry Variant Classification Scheme 2023. Collection method: clinical testing. Allele origin: germline.
Comment: The p.R1055S variant (also known as c.3165A>T), located in coding exon 15 of the MYPN gene, results from an A to T substitution at nucleotide position 3165. The arginine at codon 1055 is replaced by serine, an amino acid with dissimilar properties. This amino acid position is conserved. In addition, the in silico prediction for this alteration is inconclusive. Since supporting evidence is limited at this time, the clinical significance of this alteration remains unclear.

NM_032578.4(MYPN):c.3165A>T (p.Arg1055Ser)

Gene: MYPN (myopalladin; plus strand). Cytogenetic location: 10q21.3.
Variant type: single nucleotide variant.
Coding change: c.3165A>T on transcript NM_032578.4 (MANE Select); coding-DNA position 3165, A replaced by T.
Protein change: p.Arg1055Ser; replaces arginine 1055 with serine.
Molecular consequence: missense variant. On other transcripts: non-coding transcript variant (2).
Genome position (GRCh38, 1-based): chr10:68,197,358, A>T. VCF-style: chr10-68197358-A-T. GRCh37 (hg19) VCF-style: chr10-69957115-A-T.
Other names: c.3165A>T, p.Arg1055Ser (NM_001256267.2); c.2283A>T, p.Arg761Ser (NM_001256268.2); short protein forms R761S, R1055S.
Identifiers: ClinVar variation 1728351 (VCV001728351.2), dbSNP rs2043625770, ClinGen allele CA376858084.